The following continues an entry in ClinVar:

NM_033380.3(COL4A5):c.2605G>A (p.Gly869Arg)

Gene: COL4A5. ClinVar aggregate classification (germline): Pathogenic/Likely pathogenic. Pathogenic (14); Likely pathogenic (1).

Submissions 10 to 19 of 19:

Victorian Clinical Genetics Services, Murdoch Childrens Research Institute
Classification: Pathogenic for X-linked Alport syndrome. Last evaluated: 2022-03-31. Review status: criteria provided, single submitter. Criteria: ACMG Guidelines, 2015. Collection method: clinical testing. Allele origin: germline. Inheritance: X-linked dominant inheritance. Affected: yes.
Comment: Based on the classification scheme VCGS_Germline_v1.3.4, this variant is classified as Pathogenic. Following criteria are met: 0103 - Dominant negative, caused by missense variants mostly glycine substitutions that affect the conformation of the protein, and loss of function, caused by either protein truncating or missense variants, are known mechanisms of disease in this gene and are associated with Alport syndrome (MIM#301050) (PMIDs: 24046192, 12028435). (I) 0110 - This gene is associated with X-linked dominant disease, with males usually affected more severely than females (PMID: 19965530). (I) 0115 - Variants in this gene are known to have variable expressivity. There is intrafamilial variability among affected carrier females, possibly due to variable X-inactivation (PMID: 14514738). (I) 0200 - Variant is predicted to result in a missense amino acid change from glycine to arginine. (I) 0251 - This variant is heterozygous. (I) 0301 - Variant is absent from gnomAD (both v2 and v3). (SP) 0501 - Missense variant consistently predicted to be damaging by multiple in silico tools or highly conserved with a major amino acid change. (SP) 0601 - Variant is located in the well-established triple helical G-X-Y repeat region, and affects a glycine residue (DECIPHER). (SP) 0704 - Another missense variant comparable to the one identified in this case has limited previous evidence for pathogenicity. p.(Gly869Val) has been previously reported as pathogenic by a clinical laboratory in ClinVar. (SP) 0801 - This variant has strong previous evidence of pathogenicity in unrelated individuals. This variant has been reported several times as pathogenic, and has been observed in many hemizygous or heterozygous individuals with Alport syndrome (ClinVar, PMIDs: 27627812, 23144074). (SP) 1208 - Inheritance information for this variant is not currently available in this individual. (I) Legend: (SP) - Supporting pathogenic, (I) - Information, (SB) - Supporting benign

3billion
Classification: Pathogenic for X-linked Alport syndrome. Last evaluated: 2022-01-03. Review status: criteria provided, single submitter. Criteria: ACMG Guidelines, 2015. Collection method: clinical testing. Allele origin: germline. Affected: yes. Observed: 1 hemizygote.
Comment: Same nucleotide change resulting in same amino acid change has been previously reported as pathogenic/likely pathogenic with strong evidence (ClinVar ID: VCV000024543, PS1_S). A different missense change at the same codon has been reported to be associated with COL4A5 related disorder (ClinVar ID: VCV000807394, PM5_P). In silico tool predictions suggest damaging effect of the variant on gene or gene product (REVEL: 0.978, 3CNET: 0.973, PP3_P). A missense variant is a common mechanism associated with Alport syndrome 1 (PP2_P). It is not observed in the gnomAD v2.1.1 dataset (PM2_M). The variant is located in a well-established functional domain or exonic hotspot, where pathogenic variants have frequently reported (PM1_M).Therefore, this variant is classified as pathogenic according to the recommendation of ACMG/AMP guideline.

Broad Center for Mendelian Genomics, Broad Institute of MIT and Harvard
Classification: Likely pathogenic for X-linked Alport syndrome. Last evaluated: 2018-12-03. Review status: criteria provided, single submitter. Criteria: ACMG Guidelines, 2015. Collection method: research. Allele origin: germline. Inheritance: X-linked inheritance. Affected: yes.
Comment: This variant was absent from large population studies and computational prediction tools and conservation analyses suggest that this variant may impact the protein, though this information is not predictive enough to determine pathogenicity. Trio exome analysis showed this variant to be de novo in one individual reported in the literature (PMID: 8940267). The p.Gly869Arg variant in COL4A5 has been reported in ten additional individuals with Alport syndrome (PMID: 8651296, 7599631, 9848783). This variant has also been reported pathogenic in ClinVar (Variation ID: 24543). In summary, although additional studies are required to fully establish its clinical significance, this variant is likely pathogenic. ACMG/AMP Criteria applied: PM2, PM6, PP3 (Richards 2015).

Center of Genomic medicine, Geneva, University Hospital of Geneva
Classification: Pathogenic for Alport syndrome, X-linked recessive. Last evaluated: 2017-12-05. Review status: criteria provided, single submitter. Criteria: ACMG Guidelines, 2015. Collection method: clinical testing. Allele origin: germline. Affected: yes.

Juno Genomics, Hangzhou Juno Genomics, Inc
Classification: Pathogenic for X-linked Alport syndrome. Review status: criteria provided, single submitter. Criteria: ACMG Guidelines, 2015. Collection method: clinical testing. Allele origin: germline. Affected: yes.
Comment: Absent from controls (or at extremely low frequency if recessive) in Genome Aggregation Database, Exome Sequencing Project, 1000 Genomes Project, or Exome Aggregation Consortium.;Multiple lines of computational evidence support a deleterious effect on the gene or gene product (conservation, evolutionary, splicing impact, etc).;Located in a mutational hot spot and/or critical and well-established functional domain (e.g. active site of an enzyme) without benign variation.;Co-segregation with disease in multiple affected family members in a gene definitively known to cause the disease.;The prevalence of the variant in affected individuals is significantly increased compared to the prevalence in controls.

Watson Genetic Lab
Classification: Pathogenic for X-linked Alport syndrome. Review status: criteria provided, single submitter. Criteria: ACMG Guidelines, 2015. Collection method: clinical testing. Allele origin: germline. Inheritance: X-linked inheritance. Affected: yes. Observed: 1 hemizygote.

Sydney Genome Diagnostics, Children's Hospital Westmead
Classification: Pathogenic for Alport syndrome. Last evaluated: 2019-09-13. Review status: no assertion criteria provided. Collection method: clinical testing. Allele origin: unknown. Affected: yes. Observed: 2 variant alleles, 1 heterozygote, 1 hemizygote. Not counted in ClinVar's aggregate classification.
Comment: This substitution affects one of the invariant glycine residues within the triple helical domain. This variant has been reported in numerous individuals with Alport syndrome (Knebelmann B et al 1996 Am J Hum Genet 59: 1221-1232; Ma et al 2011 Nephrol Dial Transplant 26: 4003-4010; Strasser et al 2012 Nephrol Dial Transplant 27: 4236-4240; Alport (COL4A5) Database). The c.2605G>A variant has not been reported in any population databases (i.e. gnomAD, ExAC, ESP or dbSNP). This variant is considered to be pathogenic according to the ACMG guidelines (Evidence used: PM1_Strong, PS4).

Yale Center for Mendelian Genomics, Yale University
Classification: Pathogenic for Autosomal dominant Alport syndrome. Last evaluated: 2019-02-14. Review status: no assertion criteria provided. Collection method: literature only. Allele origin: germline. Affected: yes. Observed: 2 hemizygotes. Study: Yale Center for Mendelian Genomics. Not counted in ClinVar's aggregate classification.

Sydney Genome Diagnostics, Children's Hospital Westmead
Classification: Pathogenic for Atypical hemolytic-uremic syndrome. Last evaluated: 2018-10-25. Review status: no assertion criteria provided. Collection method: clinical testing. Allele origin: unknown. Affected: yes. Observed: 1 variant allele, 1 hemizygote. Not counted in ClinVar's aggregate classification.
Comment: This variant has been reported to be associated with Alport syndrome (Strasser et al Nephrol Dial Transplant (2012) 27: 4236-4240). In silico analysis (Alamutv2.4) using Align GVGD, PolyPhen2, SIFT and Mutation taster all predict that this variant is likely to be pathogenic. In addition, p.Gly869 is a highly conserved amino acid within the triple helix domain. Glycine residues, in this domain, are important for the steric arrangement of the collagen chains (Knebelmann B et al. Am J Hum Genet 1996; 59: 1221-1232).

Natera, Inc.
Classification: Pathogenic for X-linked Alport syndrome. Last evaluated: 2018-01-09. Review status: no assertion criteria provided. Collection method: clinical testing. Allele origin: germline. Not counted in ClinVar's aggregate classification.

Literature cited by the submitters: PubMed 7599631 (cited by 3 submitters); PubMed 8651296 (cited by Centre de Génétique Humaine, Institut de Pathologie Et de Génétique and Broad Center for Mendelian Genomics, Broad Institute of MIT and Harvard); PubMed 8893151 (cited by Centre de Génétique Humaine, Institut de Pathologie Et de Génétique); PubMed 8940267 (cited by Centre de Génétique Humaine, Institut de Pathologie Et de Génétique and Broad Center for Mendelian Genomics, Broad Institute of MIT and Harvard); PubMed 9848783 (cited by Centre de Génétique Humaine, Institut de Pathologie Et de Génétique and Broad Center for Mendelian Genomics, Broad Institute of MIT and Harvard); PubMed 10094548 (cited by Centre de Génétique Humaine, Institut de Pathologie Et de Génétique); PubMed 21505094 (cited by Centre de Génétique Humaine, Institut de Pathologie Et de Génétique and Women's Health and Genetics/Laboratory Corporation of America, LabCorp); PubMed 22921432 (cited by Centre de Génétique Humaine, Institut de Pathologie Et de Génétique); PubMed 23144074 (cited by Centre de Génétique Humaine, Institut de Pathologie Et de Génétique and Victorian Clinical Genetics Services, Murdoch Childrens Research Institute); PubMed 23371956 (cited by Centre de Génétique Humaine, Institut de Pathologie Et de Génétique); PubMed 27436620 (cited by Centre de Génétique Humaine, Institut de Pathologie Et de Génétique); PubMed 27859054 (cited by Centre de Génétique Humaine, Institut de Pathologie Et de Génétique); PubMed 28844315 (cited by Centre de Génétique Humaine, Institut de Pathologie Et de Génétique); PubMed 30577881 (cited by Centre de Génétique Humaine, Institut de Pathologie Et de Génétique and Labcorp Genetics (formerly Invitae), Labcorp); PubMed 30647093 (cited by Centre de Génétique Humaine, Institut de Pathologie Et de Génétique); PubMed 30773290 (cited by 3 submitters); PubMed 31328266 (cited by Centre de Génétique Humaine, Institut de Pathologie Et de Génétique); PubMed 31822006 (cited by Centre de Génétique Humaine, Institut de Pathologie Et de Génétique); PubMed 35759000 (cited by Centre de Génétique Humaine, Institut de Pathologie Et de Génétique); PubMed 36685964 (cited by Centre de Génétique Humaine, Institut de Pathologie Et de Génétique); PubMed 37100867 (cited by Centre de Génétique Humaine, Institut de Pathologie Et de Génétique); PubMed 37225412 (cited by Centre de Génétique Humaine, Institut de Pathologie Et de Génétique); PubMed 38249544 (cited by Centre de Génétique Humaine, Institut de Pathologie Et de Génétique); PubMed 38790222 (cited by Centre de Génétique Humaine, Institut de Pathologie Et de Génétique); PubMed 40237890 (cited by Centre de Génétique Humaine, Institut de Pathologie Et de Génétique); PubMed 40567900 (cited by Centre de Génétique Humaine, Institut de Pathologie Et de Génétique); PubMed 40485705 (cited by Centre de Génétique Humaine, Institut de Pathologie Et de Génétique); PubMed 40533884 (cited by Centre de Génétique Humaine, Institut de Pathologie Et de Génétique); PubMed 40630291 (cited by Centre de Génétique Humaine, Institut de Pathologie Et de Génétique); PubMed 40677324 (cited by Centre de Génétique Humaine, Institut de Pathologie Et de Génétique); PubMed 7695699 (cited by Labcorp Genetics (formerly Invitae), Labcorp); PubMed 8218237 (cited by Labcorp Genetics (formerly Invitae), Labcorp); PubMed 19344236 (cited by Labcorp Genetics (formerly Invitae), Labcorp); PubMed 23720012 (cited by Labcorp Genetics (formerly Invitae), Labcorp); PubMed 27627812 (cited by Labcorp Genetics (formerly Invitae), Labcorp and Victorian Clinical Genetics Services, Murdoch Childrens Research Institute); DOI 10.1016/j.ekir.2024.02.398 (cited by Renal Laboratory, Department of Pathology, All India Institute of Medical Sciences); PubMed 24304881 (cited by Women's Health and Genetics/Laboratory Corporation of America, LabCorp); PubMed 12028435 (cited by Victorian Clinical Genetics Services, Murdoch Childrens Research Institute); PubMed 14514738 (cited by Victorian Clinical Genetics Services, Murdoch Childrens Research Institute); PubMed 19965530 (cited by Victorian Clinical Genetics Services, Murdoch Childrens Research Institute); PubMed 24046192 (cited by Victorian Clinical Genetics Services, Murdoch Childrens Research Institute).